The following is an entry in ClinVar:

ClinVar aggregate classification (germline): Likely benign (1 of 4 stars; one submission).

Conditions:
Familial cancer of breast. Also called: BREAST CANCER, FAMILIAL; Hereditary breast cancer; hereditary breast carcinoma. Identifiers: Orphanet 227535, MedGen C0346153, MONDO:0016419, OMIM 114480. Disease mechanism: loss of function.

Allele frequency attached by ClinVar (database versions not stated): gnomAD exomes below 0.00001.
gnomAD v4.1: 1 of 1,585,418 alleles (0.000063%); highest among the groups gnomAD compares: Non-Finnish European, 0.000086%; no homozygotes.

Submission:

Myriad Genetics, Inc.
Classification: Likely benign for Familial cancer of breast. Last evaluated: 2024-05-07. Review status: criteria provided, single submitter. Criteria: Myriad Autosomal Dominant, Autosomal Recessive and X-Linked Classification Criteria (2023). Collection method: clinical testing. Allele origin: unknown.
Comment: This variant is considered likely benign. This variant is intronic and is not expected to impact mRNA splicing.

NM_000051.4(ATM):c.2125-13G>C

Gene: ATM (ATM serine/threonine kinase; plus strand). Cytogenetic location: 11q22.3.
Variant type: single nucleotide variant.
Coding change: c.2125-13G>C on transcript NM_000051.4 (MANE Select); 13 bases into the intron before coding-DNA position 2125, G replaced by C.
Molecular consequence: intron variant.
Genome position (GRCh38, 1-based): chr11:108,256,202, G>C. VCF-style: chr11-108256202-G-C. GRCh37 (hg19) VCF-style: chr11-108126929-G-C.
Other names: c.2125-13G>C (NM_001351834.2).
Identifiers: ClinVar variation 3254189 (VCV003254189.1), dbSNP rs2135391648.